The following is an entry in ClinVar:

NM_000142.5(FGFR3):c.2353G>T (p.Asp785Tyr)

Gene: FGFR3 (fibroblast growth factor receptor 3; plus strand). Cytogenetic location: 4p16.3.
Variant type: single nucleotide variant.
Coding change: c.2353G>T on transcript NM_000142.5 (MANE Select); coding-DNA position 2353, G replaced by T.
Protein change: p.Asp785Tyr; replaces aspartic acid 785 with tyrosine.
Molecular consequence: missense variant. On other transcripts: non-coding transcript variant (1).
Genome position (GRCh38, 1-based): chr4:1,807,194, G>T. VCF-style: chr4-1807194-G-T. GRCh37 (hg19) VCF-style: chr4-1808921-G-T.
Other names: c.2359G>T, p.Asp787Tyr (NM_001163213.2); c.2356G>T, p.Asp786Tyr (NM_001354809.2); c.2285G>T, p.Gly762Val (NM_001354810.2); c.2017G>T, p.Asp673Tyr (NM_022965.4); short protein forms D673Y, D785Y, D786Y, D787Y, G762V.
Identifiers: ClinVar variation 4857806 (VCV004857806.1).

ClinVar aggregate classification (germline): Uncertain significance (1 of 4 stars; one submission).

Conditions:
FGFR3-related chondrodysplasia. Identifiers: Orphanet 93420, MedGen C5681604, MONDO:0019685.

gnomAD v4.1: 4 of 1,607,712 alleles (0.00025%); highest among the groups gnomAD compares: East Asian, 0.009%; no homozygotes.

Submission:

Genomenon, Inc
Classification: Uncertain significance for FGFR3-related chondrodysplasia. Last evaluated: 2026-06-23. Review status: criteria provided, single submitter. Criteria: Genomenon Sequence Variant Interpretation Standards - Updated. Collection method: curation. Allele origin: germline. Affected: no.
Comment: FGFR3 p.Asp785Tyr (c.2353G>T) is a missense variant that changes the amino acid at codon 785 from Aspartic acid to Tyrosine. This variant has been reported in the published literature (PMID:32672867). It is absent or not present at a significant frequency in gnomAD. In conclusion, we classify FGFR3 p.Asp785Tyr (c.2353G>T) as a variant of uncertain significance.

Literature cited by the submitters: PubMed 32672867.